The following is an entry in ClinVar:

ClinVar aggregate classification (germline): Conflicting classifications of pathogenicity. Review status: criteria provided, conflicting classifications (1 of 4 stars). 2 submissions from 2 submitters: Uncertain significance (1); Likely benign (1). Last evaluated 2025-06-23.

Conditions:
Primary ciliary dyskinesia 23 (CILD23). Also called: CILIARY DYSKINESIA, PRIMARY, 23, WITH OR WITHOUT SITUS INVERSUS. Identifiers: Orphanet 244, MedGen C3809548, MONDO:0014193, OMIM 615451.
Primary ciliary dyskinesia. Also called: Ciliary dyskinesia. Identifiers: Orphanet 244, MedGen C0008780, MONDO:0016575, HP:0012265.

Allele frequency attached by ClinVar (database versions not stated): TOPMed 0.00001.

Submissions (2):

Ambry Genetics
Classification: Likely benign for Primary ciliary dyskinesia. Last evaluated: 2025-06-23. Review status: criteria provided, single submitter. Criteria: Ambry Variant Classification Scheme 2023. Collection method: clinical testing. Allele origin: germline.

Labcorp Genetics (formerly Invitae), Labcorp
Classification: Uncertain significance for Primary ciliary dyskinesia 23. Last evaluated: 2023-05-08. Review status: criteria provided, single submitter. Criteria: Invitae Variant Classification Sherloc (09022015). Collection method: clinical testing. Allele origin: germline.
Comment: In summary, the available evidence is currently insufficient to determine the role of this variant in disease. Therefore, it has been classified as a Variant of Uncertain Significance. Algorithms developed to predict the effect of missense changes on protein structure and function output the following: SIFT: "Not Available"; PolyPhen-2: "Benign"; Align-GVGD: "Not Available". The alanine amino acid residue is found in multiple mammalian species, which suggests that this missense change does not adversely affect protein function. ClinVar contains an entry for this variant (Variation ID: 2166915). This variant has not been reported in the literature in individuals affected with ARMC4-related conditions. This variant is not present in population databases (gnomAD no frequency). This sequence change replaces glutamic acid, which is acidic and polar, with alanine, which is neutral and non-polar, at codon 335 of the ARMC4 protein (p.Glu335Ala).

NM_018076.5(ODAD2):c.1004A>C (p.Glu335Ala)

Gene: ODAD2 (outer dynein arm docking complex subunit 2; minus strand). Cytogenetic location: 10p12.1.
Variant type: single nucleotide variant.
Coding change: c.1004A>C on transcript NM_018076.5 (MANE Select); coding-DNA position 1004, A replaced by C.
Protein change: p.Glu335Ala; replaces glutamic acid 335 with alanine.
Molecular consequence: missense variant. On other transcripts: intron variant (1).
Genome position (GRCh38, 1-based): chr10:27,971,246, T>G on the plus strand (A>C on the coding strand, the complement: ODAD2 is on the minus strand). VCF-style: chr10-27971246-T-G. GRCh37 (hg19) VCF-style: chr10-28260175-T-G.
Other names: c.1004A>C, p.Glu335Ala (NM_001290020.2); c.80A>C, p.Glu27Ala (NM_001312689.2); c.-187-9531A>C (NM_001290021.2); c.1004A>C (NM_018076.2); short protein forms E27A, E335A.
Identifiers: ClinVar variation 2166915 (VCV002166915.6), dbSNP rs1848840724, ClinGen allele CA376394426.